The following is an entry in ClinVar:

ClinVar aggregate classification (germline): Uncertain significance (1 of 4 stars; one submission).

Conditions:
Hereditary nonpolyposis colorectal neoplasms. Identifiers: MedGen C0009405, MeSH D003123.

Submission:

Labcorp Genetics (formerly Invitae), Labcorp
Classification: Uncertain significance for Hereditary nonpolyposis colorectal neoplasms. Last evaluated: 2024-02-07. Review status: criteria provided, single submitter. Criteria: Invitae Variant Classification Sherloc (09022015). Collection method: clinical testing. Allele origin: germline.
Comment: This sequence change replaces glutamic acid, which is acidic and polar, with aspartic acid, which is acidic and polar, at codon 463 of the MSH6 protein (p.Glu463Asp). This variant is not present in population databases (gnomAD no frequency). This variant has not been reported in the literature in individuals affected with MSH6-related conditions. Advanced modeling of protein sequence and biophysical properties (such as structural, functional, and spatial information, amino acid conservation, physicochemical variation, residue mobility, and thermodynamic stability) has been performed at Invitae for this missense variant, however the output from this modeling did not meet the statistical confidence thresholds required to predict the impact of this variant on MSH6 protein function. In summary, the available evidence is currently insufficient to determine the role of this variant in disease. Therefore, it has been classified as a Variant of Uncertain Significance.

NM_000179.3(MSH6):c.1389A>T (p.Glu463Asp)

Gene: MSH6 (mutS homolog 6; plus strand). Cytogenetic location: 2p16.3.
Variant type: single nucleotide variant.
Coding change: c.1389A>T on transcript NM_000179.3 (MANE Select); coding-DNA position 1389, A replaced by T.
Protein change: p.Glu463Asp; replaces glutamic acid 463 with aspartic acid.
Molecular consequence: missense variant. On other transcripts: non-coding transcript variant (4), intron variant (1).
Genome position (GRCh38, 1-based): chr2:47,799,372, A>T. VCF-style: chr2-47799372-A-T. GRCh37 (hg19) VCF-style: chr2-48026511-A-T.
Other names: c.999A>T, p.Glu333Asp (NM_001281492.2); c.483A>T, p.Glu161Asp (NM_001281493.2, NM_001281494.2, NM_001406823.1 and 6 more transcripts); c.1485A>T, p.Glu495Asp (NM_001406795.1, NM_001406802.1); c.1389A>T, p.Glu463Asp (NM_001406796.1, NM_001406798.1, NM_001406800.1 and 4 more transcripts); c.1092A>T, p.Glu364Asp (NM_001406797.1, NM_001406801.1, NM_001406805.1 and 10 more transcripts); c.864A>T, p.Glu288Asp (NM_001406799.1, NM_001406806.1, NM_001406807.1); c.1311A>T, p.Glu437Asp (NM_001406804.1); c.1221A>T, p.Glu407Asp (NM_001406826.1); and 2 more; short protein forms E161D, E333D, E364D, E407D, E437D, E495D, E463D, E288D.
Identifiers: ClinVar variation 3633928 (VCV003633928.2).